The following is an entry in ClinVar:

NM_001384732.1(CPLANE1):c.7972G>A (p.Val2658Ile)

Gene: CPLANE1 (ciliogenesis and planar polarity effector complex subunit 1; minus strand). Cytogenetic location: 5p13.2.
Variant type: single nucleotide variant.
Coding change: c.7972G>A on transcript NM_001384732.1 (MANE Select); coding-DNA position 7972, G replaced by A.
Protein change: p.Val2658Ile; replaces valine 2658 with isoleucine.
Molecular consequence: missense variant.
Genome position (GRCh38, 1-based): chr5:37,157,709, C>T on the plus strand (G>A on the coding strand, the complement: CPLANE1 is on the minus strand). VCF-style: chr5-37157709-C-T. GRCh37 (hg19) VCF-style: chr5-37157811-C-T.
Other names: c.7918G>A, p.Val2640Ile (NM_023073.4); short protein forms V2640I, V2658I.
Identifiers: ClinVar variation 1390872 (VCV001390872.8), dbSNP rs988332114, ClinGen allele CA117045488.
Genomic context (GRCh38, chr5:37,157,709, plus strand): 5'-TTAAAAGTAGGAAAAAATTACCTTGACTCTTAAAATTATGTGGGGGAACAGCATTAGTAA[C>T]TGAAGCTGCCATATAATGTAACTCTGCAGACGATGGAACTGCTAGATGATCGCTTTGCTG-3'
Protein context (NP_001371661.1, residues 2648-2668): SAELHYMAAS[Val2658Ile]TNAVPPHNFK

ClinVar aggregate classification (germline): Uncertain significance. Review status: criteria provided, multiple submitters, no conflicts (2 of 4 stars). 3 submissions from 3 submitters: Uncertain significance (3). Last evaluated 2025-01-06.

Conditions:
Orofaciodigital syndrome type 6 (OFD6). Also called: Oral-facial-digital syndrome type 6; Central polydactyly cleft lip/palate or lingual lump and psychomotor retardation; Y-shaped central metacarpal and cerebellar defect; Joubert syndrome with orofacialdigital anomalies; VARADI SYNDROME; VARADI-PAPP SYNDROME. Identifiers: Orphanet 2754, MedGen C2745997, MONDO:0010176, OMIM 277170.
Joubert syndrome 17 (JBTS17). Identifiers: Orphanet 475, MedGen C3553264, MONDO:0013824, OMIM 614615.

Allele frequency attached by ClinVar (database versions not stated): gnomAD exomes below 0.00001; TOPMed 0.00003.
gnomAD v4.1: 2 of 1,613,924 alleles (0.00012%); highest among the groups gnomAD compares: Admixed American, 0.0017%; no homozygotes.

Submissions (3):

GeneDx
Classification: Uncertain significance. Last evaluated: 2025-01-06. Review status: criteria provided, single submitter. Criteria: GeneDx Variant Classification Process June 2021. Collection method: clinical testing. Allele origin: germline. Affected: yes.
Comment: Not observed at significant frequency in large population cohorts (gnomAD); In silico analysis indicates that this missense variant does not alter protein structure/function; Has not been previously published as pathogenic or benign to our knowledge

Labcorp Genetics (formerly Invitae), Labcorp
Classification: Uncertain significance. Last evaluated: 2023-08-04. Review status: criteria provided, single submitter. Criteria: Invitae Variant Classification Sherloc (09022015). Collection method: clinical testing. Allele origin: germline.
Comment: In summary, the available evidence is currently insufficient to determine the role of this variant in disease. Therefore, it has been classified as a Variant of Uncertain Significance. Advanced modeling of protein sequence and biophysical properties (such as structural, functional, and spatial information, amino acid conservation, physicochemical variation, residue mobility, and thermodynamic stability) performed at Invitae indicates that this missense variant is not expected to disrupt CPLANE1 protein function. ClinVar contains an entry for this variant (Variation ID: 1390872). This variant has not been reported in the literature in individuals affected with CPLANE1-related conditions. This variant is present in population databases (no rsID available, gnomAD 0.003%). This sequence change replaces valine, which is neutral and non-polar, with isoleucine, which is neutral and non-polar, at codon 2640 of the CPLANE1 protein (p.Val2640Ile).

Fulgent Genetics
Classification: Uncertain significance for Orofaciodigital syndrome type 6; Joubert syndrome 17. Last evaluated: 2022-02-08. Review status: criteria provided, single submitter. Criteria: ACMG Guidelines, 2015. Collection method: clinical testing. Allele origin: unknown.